The following is an entry in ClinVar:

ClinVar aggregate classification (germline): Uncertain significance (1 of 4 stars; one submission).

Submission:

Labcorp Genetics (formerly Invitae), Labcorp
Classification: Uncertain significance. Last evaluated: 2023-06-24. Review status: criteria provided, single submitter. Criteria: Invitae Variant Classification Sherloc (09022015). Collection method: clinical testing. Allele origin: unknown.
Comment: In summary, the available evidence is currently insufficient to determine the role of this variant in disease. Therefore, it has been classified as a Variant of Uncertain Significance. This variant has not been reported in the literature in individuals affected with ADGRE2-related conditions. This variant is a gross deletion of the genomic region encompassing exon(s) 19-21 of the ADGRE2 gene, which includes the termination codon. This deletion extends beyond the assayed region for this gene and therefore may encompass additional genes. While this deletion is not anticipated to lead to nonsense mediated decay, it is expected to alter mRNA translation or result in a truncated protein product.

NC_000019.9:g.(?_14847048)_(14854616_?)del

Gene: ADGRE2 (adhesion G protein-coupled receptor E2; minus strand). Cytogenetic location: 19p13.12.
Variant type: Deletion.
Identifiers: ClinVar variation 3242689 (VCV003242689.1).